The following is an entry in ClinVar:

NM_005902.4(SMAD3):c.607G>A (p.Gly203Ser)

Gene: SMAD3 (SMAD family member 3; plus strand). Cytogenetic location: 15q22.33.
Variant type: single nucleotide variant.
Coding change: c.607G>A on transcript NM_005902.4 (MANE Select); coding-DNA position 607, G replaced by A.
Protein change: p.Gly203Ser; replaces glycine 203 with serine.
Molecular consequence: missense variant.
Genome position (GRCh38, 1-based): chr15:67,166,853, G>A. VCF-style: chr15-67166853-G-A. GRCh37 (hg19) VCF-style: chr15-67459191-G-A.
Other names: c.292G>A, p.Gly98Ser (NM_001145102.2); c.475G>A, p.Gly159Ser (NM_001145103.2); c.22G>A, p.Gly8Ser (NM_001145104.2); short protein forms G159S, G203S, G8S, G98S.
Identifiers: ClinVar variation 636495 (VCV000636495.4), dbSNP rs1416583276, ClinGen allele CA392954881.

ClinVar aggregate classification (germline): Uncertain significance. Review status: criteria provided, multiple submitters, no conflicts (2 of 4 stars). 2 submissions from 2 submitters: Uncertain significance (2). Last evaluated 2022-01-25.

Allele frequency attached by ClinVar (database versions not stated): gnomAD exomes below 0.00001 and 0.00001; TOPMed below 0.00001; gnomAD 0.00001.
gnomAD v4.1: 3 of 1,585,612 alleles (0.00019%); highest among the groups gnomAD compares: African/African-American, 0.004%; no homozygotes.

Submissions (2):

GeneDx
Classification: Uncertain significance. Last evaluated: 2022-01-25. Review status: criteria provided, single submitter. Criteria: GeneDx Variant Classification Process June 2021. Collection method: clinical testing. Allele origin: germline. Affected: yes.
Comment: Has not been previously published as pathogenic or benign to our knowledge; Not observed at significant frequency in large population cohorts (gnomAD); At the protein level, in silico analysis supports that this missense variant does not alter protein structure/function; At the RNA level, in silico analysis suggests this variant may impact gene splicing. In the absence of RNA/functional studies, the actual effect of this sequence change is unknown.; Reported in ClinVar as a variant of uncertain significance (ClinVar Variant ID# 636495)

Blueprint Genetics
Classification: Uncertain significance. Last evaluated: 2017-10-02. Review status: criteria provided, single submitter. Criteria: ACMG Guidelines, 2015. Collection method: clinical testing. Allele origin: germline.